The following is an entry in ClinVar:

ClinVar aggregate classification (germline): Uncertain significance (1 of 4 stars; one submission).

gnomAD v4.1: 3 of 1,611,798 alleles (0.00019%); highest among the groups gnomAD compares: South Asian, 0.0022%; no homozygotes.

Submission:

Women's Health and Genetics/Laboratory Corporation of America, LabCorp
Classification: Uncertain significance. Last evaluated: 2026-04-14. Review status: criteria provided, single submitter. Criteria: LabCorp Variant Classification Summary - May 2015. Collection method: clinical testing. Allele origin: germline.
Comment: Variant summary: TYR c.1298A>G (p.Tyr433Cys) results in a non-conservative amino acid change in the encoded protein sequence. Algorithms developed to predict the effect of missense changes on protein structure and function all suggest that this variant is likely to be disruptive. The variant was absent in 250430 control chromosomes (gnomAD). c.1298A>G has been observed in individuals affected with Oculocutaneous Albinism (Zahed_2005, Kohli_2024). These data do not allow any conclusion about variant significance. At least one publication reports experimental evidence evaluating an impact on protein function. The most pronounced variant effect results in 30%-50% of normal activity (Mondal_2016). The following publications have been ascertained in the context of this evaluation (PMID: 15937636, 27537549, 38030918). No submitters have cited clinical-significance assessments for this variant to ClinVar. Based on the evidence outlined above, the variant was classified as VUS-possibly pathogenic.

Literature cited by the submitters: PubMed 27537549; PubMed 38030918; PubMed 15937636.

NM_000372.5(TYR):c.1298A>G (p.Tyr433Cys)

Gene: TYR (tyrosinase; plus strand). Cytogenetic location: 11q14.3.
Variant type: single nucleotide variant.
Coding change: c.1298A>G on transcript NM_000372.5 (MANE Select); coding-DNA position 1298, A replaced by G.
Protein change: p.Tyr433Cys; replaces tyrosine 433 with cysteine.
Molecular consequence: missense variant.
Genome position (GRCh38, 1-based): chr11:89,284,886, A>G. VCF-style: chr11-89284886-A-G. GRCh37 (hg19) VCF-style: chr11-89018054-A-G.
Other names: short protein forms Y433C.
Identifiers: ClinVar variation 4848599 (VCV004848599.1).